The following is an entry in ClinVar:

ClinVar aggregate classification (germline): Benign. Review status: criteria provided, single submitter (1 of 4 stars). 2 submissions from 2 submitters: Benign (1). 1 of the submissions does not count toward it. Last evaluated 2019-12-31.

Conditions:
MYT1-related disorder. Also called: MYT1-related condition.

Submissions (2):

Labcorp Genetics (formerly Invitae), Labcorp
Classification: Benign. Last evaluated: 2019-12-31. Review status: criteria provided, single submitter. Criteria: Invitae Variant Classification Sherloc (09022015). Collection method: clinical testing. Allele origin: germline.

PreventionGenetics, part of Exact Sciences
Classification: Benign for MYT1-related condition. Last evaluated: 2019-03-29. Review status: no assertion criteria provided. Collection method: clinical testing. Allele origin: germline. Not counted in ClinVar's aggregate classification.
Comment: This variant is classified as benign based on ACMG/AMP sequence variant interpretation guidelines (Richards et al. 2015 PMID: 25741868, with internal and published modifications).

NM_004535.3(MYT1):c.807GGA[4] (p.Glu273del)

Gene: MYT1 (myelin transcription factor 1; plus strand). Cytogenetic location: 20q13.33.
Variant type: Microsatellite.
Coding change: c.807GGA[4] on transcript NM_004535.3 (MANE Select); four copies in a row of the 3-base unit GGA starting at c.807; the reference has five copies in a row; one copy, 3 bases deleted.
Protein change: p.Glu273del; deletes glutamic acid 273.
Molecular consequence: inframe deletion.
Genome position (GRCh38, 1-based): chr20:64,208,015-64,208,017, GGA deleted; deleting any 3 consecutive bases within chr20:64,208,001-64,208,017 gives the same sequence; the position shown is the placement nearest the transcript's 3' end. VCF-style (leftmost placement, unchanged base first): chr20-64208000-AGAG-A. GRCh37 (hg19) VCF-style: chr20-62839353-AGAG-A.
Other names: c.819_821delGGA (NM_004535.2); short protein forms E273del.
Identifiers: ClinVar variation 782930 (VCV000782930.6), dbSNP rs370664533, ClinGen allele CA9974677.